The following is an entry in ClinVar:

ClinVar aggregate classification (germline): Conflicting classifications of pathogenicity. Review status: criteria provided, conflicting classifications (1 of 4 stars). 2 submissions from 2 submitters: Uncertain significance (1); Likely benign (1). Last evaluated 2026-03-01.

Conditions:
Inborn genetic diseases. Identifiers: MedGen C0950123, MeSH D030342.

Allele frequency attached by ClinVar (database versions not stated): ESP Exome Variant Server 0.00008; ExAC 0.00009; TOPMed 0.00009; gnomAD 0.00013; 1000 Genomes Project 30x 0.00016; gnomAD exomes 0.00016; 1000 Genomes Project 0.00020.
gnomAD v4.1: 255 of 1,613,686 alleles (0.016%); highest among the groups gnomAD compares: East Asian, 0.022%; no homozygotes.

Submissions (2):

CeGaT Center for Human Genetics Tuebingen
Classification: Uncertain significance. Last evaluated: 2026-03-01. Review status: criteria provided, single submitter. Criteria: CeGaT Center For Human Genetics Tuebingen Variant Classification Criteria Version 2. Collection method: clinical testing. Allele origin: germline. Affected: yes. Observed: 1 variant allele.
Comment: GRIA1: PP3

Ambry Genetics
Classification: Likely benign for Inborn genetic diseases. Last evaluated: 2022-02-03. Review status: criteria provided, single submitter. Criteria: Ambry Variant Classification Scheme 2023. Collection method: clinical testing. Allele origin: germline.

NM_000827.4(GRIA1):c.622C>T (p.Arg208Cys)

Gene: GRIA1 (glutamate ionotropic receptor AMPA type subunit 1; plus strand). Cytogenetic location: 5q33.2.
Variant type: single nucleotide variant.
Coding change: c.622C>T on transcript NM_000827.4 (MANE Select); coding-DNA position 622, C replaced by T.
Protein change: p.Arg208Cys; replaces arginine 208 with cysteine.
Molecular consequence: missense variant. On other transcripts: non-coding transcript variant (2).
Genome position (GRCh38, 1-based): chr5:153,650,491, C>T. VCF-style: chr5-153650491-C-T. GRCh37 (hg19) VCF-style: chr5-153030051-C-T.
Other names: c.622C>T, p.Arg208Cys (NM_001114183.2, NM_001364165.2); c.382C>T, p.Arg128Cys (NM_001258019.2); c.337C>T, p.Arg113Cys (NM_001258020.2); c.652C>T, p.Arg218Cys (NM_001258021.2, NM_001258022.2); c.415C>T, p.Arg139Cys (NM_001258023.1, NM_001364167.2); c.649C>T, p.Arg217Cys (NM_001364166.2); short protein forms R217C, R113C, R128C, R218C, R139C, R208C.
Identifiers: ClinVar variation 2348125 (VCV002348125.6), dbSNP rs146865938, ClinGen allele CA3524346.